The following is an entry in ClinVar:

NM_020632.3(ATP6V0A4):c.2046G>C (p.Glu682Asp)

Gene: ATP6V0A4 (ATPase H+ transporting V0 subunit a4; minus strand). Cytogenetic location: 7q34.
Variant type: single nucleotide variant.
Coding change: c.2046G>C on transcript NM_020632.3 (MANE Select); coding-DNA position 2046, G replaced by C.
Protein change: p.Glu682Asp; replaces glutamic acid 682 with aspartic acid.
Molecular consequence: missense variant.
Genome position (GRCh38, 1-based): chr7:138,721,990, C>G on the plus strand (G>C on the coding strand, the complement: ATP6V0A4 is on the minus strand). VCF-style: chr7-138721990-C-G. GRCh37 (hg19) VCF-style: chr7-138406735-C-G.
Other names: c.2046G>C, p.Glu682Asp (NM_130840.3, NM_130841.3); short protein forms E682D.
Identifiers: ClinVar variation 908603 (VCV000908603.9), dbSNP rs147889261, ClinGen allele CA4504554.
Genomic context (GRCh38, chr7:138,721,990, plus strand): 5'-ATCTGCAGAAGTCCTCTGGCCAGAACGGCTAGAAGGGCTGGAGCTATCACCTTCAATGTT[C>G]TCAGTGGCATCTTCTTGGATCCTGGATGCCTGCAGCTGACAACAAGCAGGGAAATGAGGA-3'
Protein context (NP_065683.2, residues 672-692): QASRIQEDAT[Glu682Asp]NIEGDSSSPS

ClinVar aggregate classification (germline): Uncertain significance. Review status: criteria provided, multiple submitters, no conflicts (2 of 4 stars). 5 submissions from 5 submitters: Uncertain significance (5). Last evaluated 2024-11-18.

Conditions:
Renal tubular acidosis, distal, 3, with or without sensorineural hearing loss (DRTA3). Identifiers: MedGen C5399980, MONDO:0011268, OMIM 602722.
Inborn genetic diseases. Identifiers: MedGen C0950123, MeSH D030342.
Autosomal recessive distal renal tubular acidosis. Identifiers: Orphanet 402041, MedGen C1864498, MONDO:0018440.

Allele frequency attached by ClinVar (database versions not stated): TOPMed 0.00007; gnomAD exomes 0.00035; ExAC 0.00039; ESP Exome Variant Server 0.00046.
gnomAD v4.1: 285 of 1,614,170 alleles (0.018%); highest among the groups gnomAD compares: South Asian, 0.12%; no homozygotes.

Submissions (5):

Blueprint Genetics
Classification: Uncertain significance. Last evaluated: 2024-11-18. Review status: criteria provided, single submitter. Criteria: ACMG Guidelines, 2015. Collection method: clinical testing. Allele origin: germline.

Fulgent Genetics
Classification: Uncertain significance for Renal tubular acidosis, distal, 3, with or without sensorineural hearing loss. Last evaluated: 2024-04-19. Review status: criteria provided, single submitter. Criteria: ACMG Guidelines, 2015. Collection method: clinical testing. Allele origin: germline.

Labcorp Genetics (formerly Invitae), Labcorp
Classification: Uncertain significance. Last evaluated: 2022-10-13. Review status: criteria provided, single submitter. Criteria: Invitae Variant Classification Sherloc (09022015). Collection method: clinical testing. Allele origin: germline.
Comment: This sequence change replaces glutamic acid, which is acidic and polar, with aspartic acid, which is acidic and polar, at codon 682 of the ATP6V0A4 protein (p.Glu682Asp). This variant is present in population databases (rs147889261, gnomAD 0.1%). This variant has not been reported in the literature in individuals affected with ATP6V0A4-related conditions. ClinVar contains an entry for this variant (Variation ID: 908603). Advanced modeling of protein sequence and biophysical properties (such as structural, functional, and spatial information, amino acid conservation, physicochemical variation, residue mobility, and thermodynamic stability) performed at Invitae indicates that this missense variant is not expected to disrupt ATP6V0A4 protein function. In summary, the available evidence is currently insufficient to determine the role of this variant in disease. Therefore, it has been classified as a Variant of Uncertain Significance.

Ambry Genetics
Classification: Uncertain significance for Inborn genetic diseases. Last evaluated: 2022-06-28. Review status: criteria provided, single submitter. Criteria: Ambry Variant Classification Scheme 2023. Collection method: clinical testing. Allele origin: germline.

Illumina Laboratory Services, Illumina
Classification: Uncertain significance for Renal tubular acidosis, distal, 3, with or without sensorineural hearing loss. Last evaluated: 2018-01-12. Review status: criteria provided, single submitter. Criteria: ICSL Variant Classification Criteria 13 December 2019. Collection method: clinical testing. Allele origin: germline.